The following is an entry in ClinVar:

ClinVar aggregate classification (germline): Uncertain significance (1 of 4 stars; one submission).

Conditions:
LAMB2-related infantile-onset nephrotic syndrome. Also called: NEPHROTIC SYNDROME, TYPE 5, WITHOUT OCULAR ABNORMALITIES; NEPHROTIC SYNDROME, TYPE 5, WITH OCULAR ABNORMALITIES; Nephrotic Syndrome, type 5. Identifiers: Orphanet 306507, MedGen C3280113, MONDO:0013621, OMIM 614199.
Pierson syndrome. Also called: MICROCORIA-CONGENITAL NEPHROTIC SYNDROME. Identifiers: Orphanet 2670, MedGen C1836876, MONDO:0012184, OMIM 609049.

Allele frequency attached by ClinVar (database versions not stated): gnomAD exomes below 0.00001 and 0.00001; TOPMed below 0.00001; gnomAD 0.00001.
gnomAD v4.1: 10 of 1,607,312 alleles (0.00062%); highest among the groups gnomAD compares: Non-Finnish European, 0.00085%; no homozygotes.

Submission:

Labcorp Genetics (formerly Invitae), Labcorp
Classification: Uncertain significance for LAMB2-related infantile-onset nephrotic syndrome; Pierson syndrome. Last evaluated: 2021-08-30. Review status: criteria provided, single submitter. Criteria: Invitae Variant Classification Sherloc (09022015). Collection method: clinical testing. Allele origin: germline.
Comment: In summary, the available evidence is currently insufficient to determine the role of this variant in disease. Therefore, it has been classified as a Variant of Uncertain Significance. Algorithms developed to predict the effect of sequence changes on RNA splicing suggest that this variant may create or strengthen a splice site. Algorithms developed to predict the effect of missense changes on protein structure and function are either unavailable or do not agree on the potential impact of this missense change (SIFT: "Deleterious"; PolyPhen-2: "Possibly Damaging"; Align-GVGD: "Class C0"). This variant has not been reported in the literature in individuals affected with LAMB2-related conditions. This variant is not present in population databases (ExAC no frequency). This sequence change replaces alanine with valine at codon 838 of the LAMB2 protein (p.Ala838Val). The alanine residue is moderately conserved and there is a small physicochemical difference between alanine and valine.

NM_002292.4(LAMB2):c.2513C>T (p.Ala838Val)

Genes: LAMB2 (laminin subunit beta 2; minus strand), LOC129936738 (ATAC-STARR-seq lymphoblastoid active region 19855; plus strand). Cytogenetic location: 3p21.31.
Variant type: single nucleotide variant.
Coding change: c.2513C>T on transcript NM_002292.4 (MANE Select); coding-DNA position 2513, C replaced by T.
Protein change: p.Ala838Val; replaces alanine 838 with valine.
Molecular consequence: missense variant.
Genome position (GRCh38, 1-based): chr3:49,125,460, G>A on the plus strand (C>T on the coding strand, the complement: LAMB2 is on the minus strand). VCF-style: chr3-49125460-G-A. GRCh37 (hg19) VCF-style: chr3-49162893-G-A.
Other names: short protein forms A838V.
Identifiers: ClinVar variation 1361204 (VCV001361204.4), dbSNP rs1347865651, ClinGen allele CA352720792.
Genomic context (GRCh38, chr3:49,125,460, plus strand): 5'-CCAAAGGCACCAGTTCGACAGAGACATTGCCCACTGGTCTTTTCACAGAGACTGCTGAGT[G>A]CCCCCTCGTGGCTGCACTGGCAGGCTAGGAGCAAGGCAGAGCTGAGCCAGAGCCAGGGGA-3'
Protein context (NP_002283.3, residues 828-848): CQACQCSHEG[Ala838Val]LSSLCEKTSG